The following is an entry in ClinVar:

ClinVar aggregate classification (germline): Uncertain significance (1 of 4 stars; one submission).

Submission:

Ambry Genetics
Classification: Uncertain significance. Last evaluated: 2023-03-03. Review status: criteria provided, single submitter. Criteria: Ambry Variant Classification Scheme 2023. Collection method: clinical testing. Allele origin: germline.
Comment: The p.S216I variant (also known as c.647G>T), located in coding exon 1 of the PALLD gene, results from a G to T substitution at nucleotide position 647. The serine at codon 216 is replaced by isoleucine, an amino acid with dissimilar properties. This amino acid position is conserved. In addition, this alteration is predicted to be tolerated by in silico analysis. Since supporting evidence is limited at this time, the clinical significance of this alteration remains unclear.

NM_001166108.2(PALLD):c.647G>T (p.Ser216Ile)

Gene: PALLD (palladin, cytoskeletal associated protein; plus strand). Cytogenetic location: 4q32.3.
Variant type: single nucleotide variant.
Coding change: c.647G>T on transcript NM_001166108.2 (MANE Select); coding-DNA position 647, G replaced by T.
Protein change: p.Ser216Ile; replaces serine 216 with isoleucine.
Molecular consequence: missense variant.
Genome position (GRCh38, 1-based): chr4:168,512,151, G>T. VCF-style: chr4-168512151-G-T. GRCh37 (hg19) VCF-style: chr4-169433302-G-T.
Other names: c.647G>T, p.Ser216Ile (NM_016081.4); short protein forms S216I.
Identifiers: ClinVar variation 2497013 (VCV002497013.2), dbSNP rs757199423, ClinGen allele CA358727637.
Genomic context (GRCh38, chr4:168,512,151, plus strand): 5'-AGTCCTCGTCACCAGACAGTGGGTACCTGTCTCCTAAAAATCAGCCGTCAGCCCTGCTGA[G>T]TGCCTCAGCCAGCCAGAGCCCTATGGAAGACCAAGGGGAGATGGAAAGAGAGGTCAAGTC-3'
Protein context (NP_001159580.1, residues 206-226): SPKNQPSALL[Ser216Ile]ASASQSPMED